The following is an entry in ClinVar:

ClinVar aggregate classification (germline): Uncertain significance (1 of 4 stars; one submission).

Submission:

GeneDx
Classification: Uncertain significance. Last evaluated: 2019-11-01. Review status: criteria provided, single submitter. Criteria: GeneDx Variant Classification Process June 2021. Collection method: clinical testing. Allele origin: germline. Affected: yes.
Comment: Not observed in large population cohorts (Lek et al., 2016); In silico analysis, which includes protein predictors and evolutionary conservation, supports a deleterious effect; Has not been previously published as pathogenic or benign to our knowledge

NM_024496.4(IRF2BPL):c.74C>A (p.Ala25Asp)

Genes: IRF2BPL (interferon regulatory factor 2 binding protein like; minus strand), LOC107984638 (uncharacterized LOC107984638; plus strand). Cytogenetic location: 14q24.3.
Variant type: single nucleotide variant.
Coding change: c.74C>A on transcript NM_024496.4 (MANE Select); coding-DNA position 74, C replaced by A.
Protein change: p.Ala25Asp; replaces alanine 25 with aspartic acid.
Molecular consequence: missense variant.
Genome position (GRCh38, 1-based): chr14:77,027,719, G>T on the plus strand (C>A on the coding strand, the complement: IRF2BPL is on the minus strand). VCF-style: chr14-77027719-G-T. GRCh37 (hg19) VCF-style: chr14-77494062-G-T.
Other names: short protein forms A25D.
Identifiers: ClinVar variation 1309883 (VCV001309883.2), dbSNP rs1360814461, ClinGen allele CA390501985.
Genomic context (GRCh38, chr14:77,027,719, plus strand): 5'-TCAGCGCCCTCGTAGTTGACGCAACCGCGGCATACGGGTTCCGAGAAGTCCCAGATCATG[G>T]CCCAGGGCATGCGGGGCAGGTCGCACAGGTAGCAAGATTGTCTCCGGGACGAGGACACCT-3'
Protein context (NP_078772.1, residues 15-35): YLCDLPRMPW[Ala25Asp]MIWDFSEPVC